The following is an entry in ClinVar:

ClinVar aggregate classification (germline): Uncertain significance (1 of 4 stars; one submission).

Allele frequency attached by ClinVar (database versions not stated): gnomAD 0.00006; gnomAD exomes 0.00007 and 0.00026; ESP Exome Variant Server 0.00008; TOPMed 0.00017; ExAC 0.00019.
gnomAD v4.1: 107 of 1,613,754 alleles (0.0066%); highest among the groups gnomAD compares: Admixed American, 0.14%; 1 homozygote.

Submission:

Labcorp Genetics (formerly Invitae), Labcorp
Classification: Uncertain significance. Last evaluated: 2022-10-17. Review status: criteria provided, single submitter. Criteria: Invitae Variant Classification Sherloc (09022015). Collection method: clinical testing. Allele origin: germline.
Comment: This sequence change replaces arginine, which is basic and polar, with glutamine, which is neutral and polar, at codon 60 of the NDUFA12 protein (p.Arg60Gln). This variant is present in population databases (rs143476005, gnomAD 0.2%). This variant has not been reported in the literature in individuals affected with NDUFA12-related conditions. ClinVar contains an entry for this variant (Variation ID: 1514000). Algorithms developed to predict the effect of missense changes on protein structure and function (SIFT, PolyPhen-2, Align-GVGD) all suggest that this variant is likely to be disruptive. In summary, the available evidence is currently insufficient to determine the role of this variant in disease. Therefore, it has been classified as a Variant of Uncertain Significance.

NM_018838.5(NDUFA12):c.179G>A (p.Arg60Gln)

Gene: NDUFA12 (NADH:ubiquinone oxidoreductase subunit A12; minus strand). Cytogenetic location: 12q22.
Variant type: single nucleotide variant.
Coding change: c.179G>A on transcript NM_018838.5 (MANE Select); coding-DNA position 179, G replaced by A.
Protein change: p.Arg60Gln; replaces arginine 60 with glutamine.
Molecular consequence: missense variant. On other transcripts: intron variant (1).
Genome position (GRCh38, 1-based): chr12:94,994,248, C>T on the plus strand (G>A on the coding strand, the complement: NDUFA12 is on the minus strand). VCF-style: chr12-94994248-C-T. GRCh37 (hg19) VCF-style: chr12-95388024-C-T.
Other names: c.169+8491G>A (NM_001258338.2); short protein forms R60Q.
Identifiers: ClinVar variation 1514000 (VCV001514000.3), dbSNP rs143476005, ClinGen allele CA6722579.